The following is an entry in ClinVar:

ClinVar aggregate classification (germline): Uncertain significance. Review status: criteria provided, multiple submitters, no conflicts (2 of 4 stars). 2 submissions from 2 submitters: Uncertain significance (2). Last evaluated 2023-05-15.

Conditions:
Inborn genetic diseases. Identifiers: MedGen C0950123, MeSH D030342.

Allele frequency attached by ClinVar (database versions not stated): gnomAD exomes below 0.00001; gnomAD 0.00003; TOPMed 0.00004.
gnomAD v4.1: 8 of 1,613,238 alleles (0.0005%); highest among the groups gnomAD compares: African/African-American, 0.011%; no homozygotes.

Submissions (2):

Ambry Genetics
Classification: Uncertain significance for Inborn genetic diseases. Last evaluated: 2023-05-15. Review status: criteria provided, single submitter. Criteria: Ambry Variant Classification Scheme 2023. Collection method: clinical testing. Allele origin: germline.

Labcorp Genetics (formerly Invitae), Labcorp
Classification: Uncertain significance. Last evaluated: 2022-06-01. Review status: criteria provided, single submitter. Criteria: Invitae Variant Classification Sherloc (09022015). Collection method: clinical testing. Allele origin: germline.
Comment: This sequence change replaces lysine, which is basic and polar, with asparagine, which is neutral and polar, at codon 794 of the VPS13A protein (p.Lys794Asn). This variant is present in population databases (no rsID available, gnomAD 0.008%). This variant has not been reported in the literature in individuals affected with VPS13A-related conditions. Algorithms developed to predict the effect of missense changes on protein structure and function are either unavailable or do not agree on the potential impact of this missense change (SIFT: "Tolerated"; PolyPhen-2: "Possibly Damaging"; Align-GVGD: "Class C0"). In summary, the available evidence is currently insufficient to determine the role of this variant in disease. Therefore, it has been classified as a Variant of Uncertain Significance.

NM_033305.3(VPS13A):c.2382A>T (p.Lys794Asn)

Gene: VPS13A (vacuolar protein sorting 13 homolog A; plus strand). Cytogenetic location: 9q21.2.
Variant type: single nucleotide variant.
Coding change: c.2382A>T on transcript NM_033305.3 (MANE Select); coding-DNA position 2382, A replaced by T.
Protein change: p.Lys794Asn; replaces lysine 794 with asparagine.
Molecular consequence: missense variant.
Genome position (GRCh38, 1-based): chr9:77,260,179, A>T. VCF-style: chr9-77260179-A-T. GRCh37 (hg19) VCF-style: chr9-79875095-A-T.
Other names: c.2382A>T, p.Lys794Asn (NM_001018037.2, NM_001018038.3, NM_015186.4); c.2382A>T (NM_033305.2); short protein forms K794N.
Identifiers: ClinVar variation 1944495 (VCV001944495.4), dbSNP rs958679559, ClinGen allele CA194397603.